The following is an entry in ClinVar:

ClinVar aggregate classification (germline): Uncertain significance (1 of 4 stars; one submission).

Submission:

Labcorp Genetics (formerly Invitae), Labcorp
Classification: Uncertain significance. Last evaluated: 2025-09-08. Review status: criteria provided, single submitter. Criteria: Invitae Variant Classification Sherloc (09022015). Collection method: clinical testing. Allele origin: germline.
Comment: This sequence change replaces glycine, which is neutral and non-polar, with glutamic acid, which is acidic and polar, at codon 253 of the SLC25A4 protein (p.Gly253Glu). This variant is not present in population databases (gnomAD no frequency). This variant has not been reported in the literature in individuals affected with SLC25A4-related conditions. Invitae Evidence Modeling of protein sequence and biophysical properties (such as structural, functional, and spatial information, amino acid conservation, physicochemical variation, residue mobility, and thermodynamic stability) indicates that this missense variant is expected to disrupt SLC25A4 protein function with a positive predictive value of 80%. In summary, the available evidence is currently insufficient to determine the role of this variant in disease. Therefore, it has been classified as a Variant of Uncertain Significance.

NM_001151.4(SLC25A4):c.758G>A (p.Gly253Glu)

Gene: SLC25A4 (solute carrier family 25 member 4; plus strand). Cytogenetic location: 4q35.1.
Variant type: single nucleotide variant.
Coding change: c.758G>A on transcript NM_001151.4 (MANE Select); coding-DNA position 758, G replaced by A.
Protein change: p.Gly253Glu; replaces glycine 253 with glutamic acid.
Molecular consequence: missense variant.
Genome position (GRCh38, 1-based): chr4:185,146,832, G>A. VCF-style: chr4-185146832-G-A. GRCh37 (hg19) VCF-style: chr4-186067986-G-A.
Other names: short protein forms G253E.
Identifiers: ClinVar variation 4742987 (VCV004742987.1).